The following is an entry in ClinVar:

ClinVar aggregate classification (germline): Uncertain significance (1 of 4 stars; one submission).

Conditions:
Mucopolysaccharidosis, MPS-III-C (MPS3C). Also called: SANFILIPPO SYNDROME C; MPS III C; MPS IIIC (Sanfilippo Syndrome Type C); MUCOPOLYSACCHARIDOSIS, TYPE IIIC; Mucopolysaccharidosis type IIIC (Sanfilippo C); mucopolysaccharidosis type 3C. Identifiers: Orphanet 581, Orphanet 79271, MedGen C0086649, MONDO:0009657, OMIM 252930.
Retinitis pigmentosa 73 (RP73). Identifiers: Orphanet 791, MedGen C4225287, MONDO:0014687, OMIM 616544.

Allele frequency attached by ClinVar (database versions not stated): gnomAD exomes below 0.00001; ExAC 0.00001.

Submission:

Labcorp Genetics (formerly Invitae), Labcorp
Classification: Uncertain significance for Retinitis pigmentosa 73; Mucopolysaccharidosis, MPS-III-C. Last evaluated: 2022-03-29. Review status: criteria provided, single submitter. Criteria: Invitae Variant Classification Sherloc (09022015). Collection method: clinical testing. Allele origin: germline.
Comment: In summary, the available evidence is currently insufficient to determine the role of this variant in disease. Therefore, it has been classified as a Variant of Uncertain Significance. Algorithms developed to predict the effect of missense changes on protein structure and function are either unavailable or do not agree on the potential impact of this missense change (SIFT: "Tolerated"; PolyPhen-2: "Possibly Damaging"; Align-GVGD: "Class C0"). This variant has not been reported in the literature in individuals affected with HGSNAT-related conditions. This variant is not present in population databases (gnomAD no frequency). This sequence change replaces glutamine, which is neutral and polar, with leucine, which is neutral and non-polar, at codon 392 of the HGSNAT protein (p.Gln392Leu).

NM_152419.3(HGSNAT):c.1175A>T (p.Gln392Leu)

Gene: HGSNAT (heparan-alpha-glucosaminide N-acetyltransferase; plus strand). Cytogenetic location: 8p11.21.
Variant type: single nucleotide variant.
Coding change: c.1175A>T on transcript NM_152419.3 (MANE Select); coding-DNA position 1175, A replaced by T.
Protein change: p.Gln392Leu; replaces glutamine 392 with leucine.
Molecular consequence: missense variant.
Genome position (GRCh38, 1-based): chr8:43,191,520, A>T. VCF-style: chr8-43191520-A-T. GRCh37 (hg19) VCF-style: chr8-43046663-A-T.
Other names: c.1175A>T, p.Gln392Leu (NM_001363227.2); c.983A>T, p.Gln328Leu (NM_001363228.2); c.311A>T, p.Gln104Leu (NM_001363229.2); short protein forms Q328L, Q104L, Q392L.
Identifiers: ClinVar variation 1462680 (VCV001462680.8), dbSNP rs772905027, ClinGen allele CA4736801.